The following is an entry in ClinVar:

ClinVar aggregate classification (germline): Uncertain significance (1 of 4 stars; one submission).

Conditions:
Charcot-Marie-Tooth disease axonal type 2Z. Also called: CHARCOT-MARIE-TOOTH DISEASE, AXONAL, AUTOSOMAL DOMINANT, TYPE 2Z; CHARCOT-MARIE-TOOTH NEUROPATHY, TYPE 2Z. Identifiers: Orphanet 466768, MedGen C5569025, MONDO:0014736, OMIM 616688.

Submission:

Labcorp Genetics (formerly Invitae), Labcorp
Classification: Uncertain significance for Charcot-Marie-Tooth disease axonal type 2Z. Last evaluated: 2024-10-16. Review status: criteria provided, single submitter. Criteria: Invitae Variant Classification Sherloc (09022015). Collection method: clinical testing. Allele origin: germline.
Comment: This sequence change replaces arginine, which is basic and polar, with glycine, which is neutral and non-polar, at codon 636 of the MORC2 protein (p.Arg636Gly). This variant is not present in population databases (gnomAD no frequency). This variant has not been reported in the literature in individuals affected with MORC2-related conditions. Invitae Evidence Modeling of protein sequence and biophysical properties (such as structural, functional, and spatial information, amino acid conservation, physicochemical variation, residue mobility, and thermodynamic stability) indicates that this missense variant is not expected to disrupt MORC2 protein function with a negative predictive value of 95%. In summary, the available evidence is currently insufficient to determine the role of this variant in disease. Therefore, it has been classified as a Variant of Uncertain Significance.

NM_001303256.3(MORC2):c.1906A>G (p.Arg636Gly)

Gene: MORC2 (MORC family CW-type zinc finger 2; minus strand). Cytogenetic location: 22q12.2.
Variant type: single nucleotide variant.
Coding change: c.1906A>G on transcript NM_001303256.3 (MANE Select); coding-DNA position 1906, A replaced by G.
Protein change: p.Arg636Gly; replaces arginine 636 with glycine.
Molecular consequence: missense variant.
Genome position (GRCh38, 1-based): chr22:30,935,068, T>C on the plus strand (A>G on the coding strand, the complement: MORC2 is on the minus strand). VCF-style: chr22-30935068-T-C. GRCh37 (hg19) VCF-style: chr22-31331055-T-C.
Other names: c.1906A>G, p.Arg636Gly (NM_001303257.2); c.1720A>G, p.Arg574Gly (NM_014941.3); short protein forms R574G, R636G.
Identifiers: ClinVar variation 3609238 (VCV003609238.2).
Genomic context (GRCh38, chr22:30,935,068, plus strand): 5'-AAGCAGGGAGCTTTGGGGTACTGCTGATGACAGGAGCCTTTCGGGGCTGGCTGGCTGGTC[T>C]AGGAGTTGGCAAAGAAGGGGGTCTGCTGGGGGCGTTCCTGATCACAGCAGGTAAAGGGGG-3'
Protein context (NP_001290185.1, residues 626-646): PSRPPSLPTP[Arg636Gly]PASQPRKAPV